The following is an entry in ClinVar:

NM_001384140.1(PCDH15):c.901dup (p.Thr301fs)

Gene: PCDH15 (protocadherin related 15; minus strand). Cytogenetic location: 10q21.1.
Variant type: Duplication.
Coding change: c.901dup on transcript NM_001384140.1 (MANE Select); coding-DNA position 901, one base duplicated (A; older notation c.901dupA).
Protein change: p.Thr301fs; shifts the reading frame from threonine 301.
Molecular consequence: frameshift variant.
Genome position (GRCh38, 1-based): chr10:54,236,907, T duplicated on the plus strand (A on the coding strand, the reverse complement: PCDH15 is on the minus strand). VCF-style (leftmost placement, unchanged base first): chr10-54236906-G-GT. GRCh37 (hg19) VCF-style: chr10-55996666-G-GT.
Other names: c.916dup, p.Thr306fs (NM_001142763.2, NM_001142771.2); c.901dup, p.Thr301fs (NM_001142764.2, NM_001142765.2, NM_001142766.2 and 7 more transcripts); c.790dup, p.Thr264fs (NM_001142767.2); c.835dup, p.Thr279fs (NM_001142768.2, NM_001142773.2, NM_001354404.2); c.916dup, p.Thr306Asnfs (NM_001142769.4); short protein forms T279fs, T301fs, T306fs, T264fs.
Identifiers: ClinVar variation 371153 (VCV000371153.6), dbSNP rs1057517048, ClinGen allele CA16041376.

ClinVar aggregate classification (germline): Pathogenic. Review status: criteria provided, single submitter (1 of 4 stars). 2 submissions from 2 submitters: Pathogenic (1). 1 of the submissions does not count toward it. Last evaluated 2023-05-01.

Conditions:
Usher syndrome type 1F (USH1F). Also called: USHER SYNDROME, TYPE IF. Identifiers: Orphanet 231169, Orphanet 886, MedGen C1865885, MONDO:0011186, OMIM 602083.

Submissions (2):

Labcorp Genetics (formerly Invitae), Labcorp
Classification: Pathogenic. Last evaluated: 2023-05-01. Review status: criteria provided, single submitter. Criteria: Invitae Variant Classification Sherloc (09022015). Collection method: clinical testing. Allele origin: germline.
Comment: For these reasons, this variant has been classified as Pathogenic. ClinVar contains an entry for this variant (Variation ID: 371153). This variant has not been reported in the literature in individuals affected with PCDH15-related conditions. This variant is not present in population databases (gnomAD no frequency). This sequence change creates a premature translational stop signal (p.Thr301Asnfs*8) in the PCDH15 gene. It is expected to result in an absent or disrupted protein product. Loss-of-function variants in PCDH15 are known to be pathogenic (PMID: 11398101, 11487575, 14570705).

Counsyl
Classification: Likely pathogenic for Usher syndrome type 1F. Last evaluated: 2016-07-21. Review status: no assertion criteria provided. Collection method: clinical testing. Allele origin: unknown. Not counted in ClinVar's aggregate classification.

Literature cited by the submitters: PubMed 11398101 (cited by Labcorp Genetics (formerly Invitae), Labcorp); PubMed 11487575 (cited by Labcorp Genetics (formerly Invitae), Labcorp); PubMed 14570705 (cited by Labcorp Genetics (formerly Invitae), Labcorp).